The following is an entry in ClinVar:

ClinVar aggregate classification (germline): Uncertain significance (1 of 4 stars; one submission).

Conditions:
RFT1-congenital disorder of glycosylation (CDG1N). Also called: Congenital disorder of glycosylation type In; RFT1-CDG; CDG In. Identifiers: Orphanet 244310, MedGen C2677590, MONDO:0012783, OMIM 612015.

Allele frequency attached by ClinVar (database versions not stated): gnomAD 0.00001; TOPMed 0.00001.
gnomAD v4.1: 2 of 1,614,076 alleles (0.00012%); highest among the groups gnomAD compares: African/African-American, 0.0013%; no homozygotes.

Submission:

Labcorp Genetics (formerly Invitae), Labcorp
Classification: Uncertain significance for RFT1-congenital disorder of glycosylation. Last evaluated: 2022-08-09. Review status: criteria provided, single submitter. Criteria: Invitae Variant Classification Sherloc (09022015). Collection method: clinical testing. Allele origin: germline.
Comment: This sequence change replaces serine, which is neutral and polar, with tyrosine, which is neutral and polar, at codon 367 of the RFT1 protein (p.Ser367Tyr). This variant is not present in population databases (gnomAD no frequency). This variant has not been reported in the literature in individuals affected with RFT1-related conditions. ClinVar contains an entry for this variant (Variation ID: 1369606). Algorithms developed to predict the effect of missense changes on protein structure and function are either unavailable or do not agree on the potential impact of this missense change (SIFT: "Deleterious"; PolyPhen-2: "Possibly Damaging"; Align-GVGD: "Class C15"). In summary, the available evidence is currently insufficient to determine the role of this variant in disease. Therefore, it has been classified as a Variant of Uncertain Significance.

NM_052859.4(RFT1):c.1100C>A (p.Ser367Tyr)

Gene: RFT1 (RFT1 glycolipid translocator homolog; minus strand). Cytogenetic location: 3p21.1.
Variant type: single nucleotide variant.
Coding change: c.1100C>A on transcript NM_052859.4 (MANE Select); coding-DNA position 1100, C replaced by A.
Protein change: p.Ser367Tyr; replaces serine 367 with tyrosine.
Molecular consequence: missense variant.
Genome position (GRCh38, 1-based): chr3:53,103,955, G>T on the plus strand (C>A on the coding strand, the complement: RFT1 is on the minus strand). VCF-style: chr3-53103955-G-T. GRCh37 (hg19) VCF-style: chr3-53137971-G-T.
Other names: short protein forms S367Y.
Identifiers: ClinVar variation 1369606 (VCV001369606.8), dbSNP rs991499046, ClinGen allele CA74831437.